The following is an entry in ClinVar:

ClinVar aggregate classification (germline): Uncertain significance (1 of 4 stars; one submission).

Conditions:
Inborn genetic diseases. Identifiers: MedGen C0950123, MeSH D030342.

Submission:

Ambry Genetics
Classification: Uncertain significance for Inborn genetic diseases. Last evaluated: 2022-04-04. Review status: criteria provided, single submitter. Criteria: Ambry Variant Classification Scheme 2023. Collection method: clinical testing. Allele origin: germline.
Comment: The p.M507V variant (also known as c.1519A>G), located in coding exon 11 of the EPAS1 gene, results from an A to G substitution at nucleotide position 1519. The methionine at codon 507 is replaced by valine, an amino acid with highly similar properties. This amino acid position is conserved. In addition, this alteration is predicted to be tolerated by in silico analysis. Since supporting evidence is limited at this time, the clinical significance of this alteration remains unclear.

NM_001430.5(EPAS1):c.1519A>G (p.Met507Val)

Gene: EPAS1 (endothelial PAS domain protein 1; plus strand). Cytogenetic location: 2p21.
Variant type: single nucleotide variant.
Coding change: c.1519A>G on transcript NM_001430.5 (MANE Select); coding-DNA position 1519, A replaced by G.
Protein change: p.Met507Val; replaces methionine 507 with valine.
Molecular consequence: missense variant.
Genome position (GRCh38, 1-based): chr2:46,378,732, A>G. VCF-style: chr2-46378732-A-G. GRCh37 (hg19) VCF-style: chr2-46605871-A-G.
Other names: short protein forms M507V.
Identifiers: ClinVar variation 1774370 (VCV001774370.2), dbSNP rs572663017, ClinGen allele CA346704281.